The following is an entry in ClinVar:

ClinVar aggregate classification (germline): Uncertain significance. Review status: criteria provided, multiple submitters, no conflicts (2 of 4 stars). 6 submissions from 6 submitters: Uncertain significance (5). 1 of the submissions does not count toward it. Last evaluated 2025-08-24.

Conditions:
PTPN11-related disorder. Also called: PTPN11-Related Disorders.
Cardiovascular phenotype. Identifiers: MedGen CN230736.
LEOPARD syndrome 1 (LPRD1). Also called: PTPN11-Related LEOPARD Syndrome; LENTIGINOSIS, CARDIOMYOPATHIC; MULTIPLE LENTIGINES SYNDROME. Identifiers: Orphanet 500, MedGen C4551484, MONDO:0100082, OMIM 151100.
Noonan syndrome 1 (NS1). Also called: PTPN11-Related Noonan Syndrome; TURNER PHENOTYPE WITH NORMAL KARYOTYPE; FEMALE PSEUDO-TURNER SYNDROME. Identifiers: Orphanet 648, MedGen C4551602, MONDO:0008104, OMIM 163950. Disease mechanism: gain of function.
Metachondromatosis (METCDS). Identifiers: Orphanet 2499, MedGen C0410530, MONDO:0007979, OMIM 156250.
Juvenile myelomonocytic leukemia (JMML). Also called: LEUKEMIA, JUVENILE MYELOMONOCYTIC, SOMATIC. Identifiers: Orphanet 86834, MedGen C0349639, MONDO:0011908, OMIM 607785, HP:0012209.
RASopathy. Also called: Noonan spectrum disorder; rasopathies. Identifiers: Orphanet 536391, MedGen C5555857, MONDO:0021060.

Allele frequency attached by ClinVar (database versions not stated): gnomAD exomes below 0.00001; TOPMed 0.00001.
gnomAD v4.1: 2 of 1,614,162 alleles (0.00012%); highest among the groups gnomAD compares: Non-Finnish European, 0.00017%; no homozygotes.

Submissions (6):

Ambry Genetics
Classification: Uncertain significance for Cardiovascular phenotype. Last evaluated: 2025-08-24. Review status: criteria provided, single submitter. Criteria: Ambry Variant Classification Scheme 2023. Collection method: clinical testing. Allele origin: germline.
Comment: The p.R421W variant (also known as c.1261C>T), located in coding exon 11 of the PTPN11 gene, results from a C to T substitution at nucleotide position 1261. The arginine at codon 421 is replaced by tryptophan, an amino acid with dissimilar properties. This amino acid position is highly conserved in available vertebrate species. In addition, this alteration is predicted to be deleterious by in silico analysis. Since supporting evidence is limited at this time, the clinical significance of this alteration remains unclear.

Labcorp Genetics (formerly Invitae), Labcorp
Classification: Uncertain significance for RASopathy. Last evaluated: 2025-08-10. Review status: criteria provided, single submitter. Criteria: Invitae Variant Classification Sherloc (09022015). Collection method: clinical testing. Allele origin: germline.
Comment: This sequence change replaces arginine, which is basic and polar, with tryptophan, which is neutral and slightly polar, at codon 421 of the PTPN11 protein (p.Arg421Trp). The frequency data for this variant in the population databases is considered unreliable, as metrics indicate poor data quality at this position in the gnomAD database. This variant has not been reported in the literature in individuals affected with PTPN11-related conditions. ClinVar contains an entry for this variant (Variation ID: 449117). Invitae Evidence Modeling of protein sequence and biophysical properties (such as structural, functional, and spatial information, amino acid conservation, physicochemical variation, residue mobility, and thermodynamic stability) has been performed for this missense variant. However, the output from this modeling did not meet the statistical confidence thresholds required to predict the impact of this variant on PTPN11 protein function. In summary, the available evidence is currently insufficient to determine the role of this variant in disease. Therefore, it has been classified as a Variant of Uncertain Significance.

Blueprint Genetics
Classification: Uncertain significance. Last evaluated: 2022-04-14. Review status: criteria provided, single submitter. Criteria: ACMG Guidelines, 2015. Collection method: clinical testing. Allele origin: germline.

GeneDx
Classification: Uncertain significance. Last evaluated: 2022-02-24. Review status: criteria provided, single submitter. Criteria: GeneDx Variant Classification Process June 2021. Collection method: clinical testing. Allele origin: germline. Affected: yes.
Comment: Missense variants in this gene are often considered pathogenic (HGMD); In silico analysis supports that this missense variant does not alter protein structure/function; Has not been previously published as pathogenic or benign to our knowledge

Fulgent Genetics
Classification: Uncertain significance for LEOPARD syndrome 1; Metachondromatosis; Noonan syndrome 1; Juvenile myelomonocytic leukemia. Last evaluated: 2021-10-28. Review status: criteria provided, single submitter. Criteria: ACMG Guidelines, 2015. Collection method: clinical testing. Allele origin: unknown.

PreventionGenetics, part of Exact Sciences
Classification: Uncertain significance for PTPN11-related condition. Last evaluated: 2024-03-13. Review status: no assertion criteria provided. Collection method: clinical testing. Allele origin: germline. Not counted in ClinVar's aggregate classification.
Comment: The PTPN11 c.1261C>T variant is predicted to result in the amino acid substitution p.Arg421Trp. To our knowledge, this variant has not been reported in the literature. This variant is reported in 0.00088% of alleles in individuals of European (Non-Finnish) descent in gnomAD. At this time, the clinical significance of this variant is uncertain due to the absence of conclusive functional and genetic evidence.

NM_002834.5(PTPN11):c.1261C>T (p.Arg421Trp)

Gene: PTPN11 (protein tyrosine phosphatase non-receptor type 11; plus strand). Cytogenetic location: 12q24.13.
Variant type: single nucleotide variant.
Coding change: c.1261C>T on transcript NM_002834.5 (MANE Select); coding-DNA position 1261, C replaced by T.
Protein change: p.Arg421Trp; replaces arginine 421 with tryptophan.
Molecular consequence: missense variant.
Genome position (GRCh38, 1-based): chr12:112,486,511, C>T. VCF-style: chr12-112486511-C-T. GRCh37 (hg19) VCF-style: chr12-112924315-C-T.
Other names: c.1261C>T (NM_002834.4); c.1273C>T, p.Arg425Trp (NM_001330437.2); c.1258C>T, p.Arg420Trp (NM_001374625.1); c.1261C>T, p.Arg421Trp (NM_080601.3); short protein forms R421W, R425W, R420W.
Identifiers: ClinVar variation 449117 (VCV000449117.18), dbSNP rs1355732645, ClinGen allele CA386777108.